The following is an entry in ClinVar:

ClinVar aggregate classification (germline): Likely benign (1 of 4 stars; one submission).

Conditions:
CEP135-related disorder. Also called: CEP135-related condition.

gnomAD v4.1: 3 of 1,613,994 alleles (0.00019%); highest among the groups gnomAD compares: Non-Finnish European, 0.00025%; no homozygotes.

Submission:

PreventionGenetics, part of Exact Sciences
Classification: Likely benign for CEP135-related condition. Last evaluated: 2025-05-04. Review status: criteria provided, single submitter. Criteria: ACMG Guidelines, 2015. Collection method: clinical testing. Allele origin: germline.
Comment: This variant is classified as likely benign based on ACMG/AMP sequence variant interpretation guidelines (Richards et al. 2015 PMID: 25741868, with internal and published modifications).

NM_025009.5(CEP135):c.3363A>G (p.Thr1121=)

Gene: CEP135 (centrosomal protein 135; plus strand). Cytogenetic location: 4q12.
Variant type: single nucleotide variant.
Coding change: c.3363A>G on transcript NM_025009.5 (MANE Select); coding-DNA position 3363, A replaced by G.
Protein change: p.Thr1121=; no amino-acid change (threonine 1121 retained).
Molecular consequence: synonymous variant.
Genome position (GRCh38, 1-based): chr4:56,024,543, A>G. VCF-style: chr4-56024543-A-G. GRCh37 (hg19) VCF-style: chr4-56890709-A-G.
Identifiers: ClinVar variation 4986802 (VCV004986802.1).